The following is an entry in ClinVar:

ClinVar aggregate classification (germline): Benign (1 of 4 stars; one submission).

Conditions:
Polydactyly of a triphalangeal thumb. Also called: POLYDACTYLY OF TRIPHALANGEAL THUMB; TRIPHALANGEAL THUMB-POLYDACTYLY SYNDROME; Polydactyly, preaxial type II. Identifiers: Orphanet 2439, Orphanet 2950, Orphanet 93336, MedGen C1868114, MONDO:0008270, OMIM 174500.

Allele frequency attached by ClinVar (database versions not stated): gnomAD 0.00005 and 0.00065; TOPMed 0.00016; gnomAD exomes 0.00315 and 0.00378; 1000 Genomes Project 30x 0.00484; 1000 Genomes Project 0.00499; ExAC 0.00878.
gnomAD v4.1: 1,104 of 425,896 alleles (0.26%); highest among the groups gnomAD compares: South Asian, 1.8%; 20 homozygotes.

Submission:

Illumina Laboratory Services, Illumina
Classification: Benign for Polydactyly of a triphalangeal thumb. Last evaluated: 2018-01-12. Review status: criteria provided, single submitter. Criteria: ICSL Variant Classification Criteria 13 December 2019. Collection method: clinical testing. Allele origin: germline.
Comment: This variant was observed in the ICSL laboratory as part of a predisposition screen in an ostensibly healthy population. It had not been previously curated by ICSL or reported in the Human Gene Mutation Database (HGMD: prior to June 1st, 2018), and was therefore a candidate for classification through an automated scoring system. Utilizing variant allele frequency, disease prevalence and penetrance estimates, and inheritance mode, an automated score was calculated to assess if this variant is too frequent to cause the disease. Based on the score and internal cut-off values, a variant classified as benign is not then subjected to further curation. The score for this variant resulted in a classification of benign for this disease.

NM_022458.4(LMBR1):c.*2820G>A

Gene: LMBR1 (limb development membrane protein 1; minus strand). Cytogenetic location: 7q36.3.
Variant type: single nucleotide variant.
Coding change: c.*2820G>A on transcript NM_022458.4 (MANE Select); 2820 bases downstream of the stop codon, G replaced by A.
Molecular consequence: 3 prime UTR variant. On other transcripts: non-coding transcript variant (1).
Genome position (GRCh38, 1-based): chr7:156,681,258, C>T on the plus strand (G>A on the coding strand, the complement: LMBR1 is on the minus strand). VCF-style: chr7-156681258-C-T. GRCh37 (hg19) VCF-style: chr7-156473952-C-T.
Other names: c.*2820G>A (NM_001350953.2, NM_001350954.2, NM_001350955.2 and 8 more transcripts).
Identifiers: ClinVar variation 359373 (VCV000359373.5), dbSNP rs550075183, ClinGen allele CA4587721.